The following is an entry in ClinVar:

NM_003743.5(NCOA1):c.1435A>G (p.Thr479Ala)

Gene: NCOA1 (nuclear receptor coactivator 1; plus strand). Cytogenetic location: 2p23.3.
Variant type: single nucleotide variant.
Coding change: c.1435A>G on transcript NM_003743.5 (MANE Select); coding-DNA position 1435, A replaced by G.
Protein change: p.Thr479Ala; replaces threonine 479 with alanine.
Molecular consequence: missense variant.
Genome position (GRCh38, 1-based): chr2:24,706,905, A>G. VCF-style: chr2-24706905-A-G. GRCh37 (hg19) VCF-style: chr2-24929774-A-G.
Other names: c.1435A>G, p.Thr479Ala (NM_001362950.1, NM_001362952.1, NM_001362954.1 and 3 more transcripts); short protein forms T479A.
Identifiers: ClinVar variation 2354511 (VCV002354511.3), dbSNP rs774055364, ClinGen allele CA1552257.

ClinVar aggregate classification (germline): Uncertain significance. Review status: criteria provided, multiple submitters, no conflicts (2 of 4 stars). 2 submissions from 2 submitters: Uncertain significance (2). Last evaluated 2025-08-11.

Conditions:
NCOA1-related disorder. Also called: NCOA1-related condition.

Allele frequency attached by ClinVar (database versions not stated): gnomAD exomes 0.00001; ExAC 0.00002; gnomAD 0.00011; TOPMed 0.00014.
gnomAD v4.1: 37 of 1,614,110 alleles (0.0023%); highest among the groups gnomAD compares: African/African-American, 0.041%; no homozygotes.

Submissions (2):

PreventionGenetics, part of Exact Sciences
Classification: Uncertain significance for NCOA1-related condition. Last evaluated: 2025-08-11. Review status: criteria provided, single submitter. Criteria: ACMG Guidelines, 2015. Collection method: clinical testing. Allele origin: germline.
Comment: The NCOA1 c.1435A>G variant is predicted to result in the amino acid substitution p.Thr479Ala. To our knowledge, this variant has not been reported in the literature. This variant is reported in 0.031% of alleles in individuals of African descent in gnomAD. At this time, the clinical significance of this variant is uncertain due to the absence of conclusive functional and genetic evidence.

Ambry Genetics
Classification: Uncertain significance. Last evaluated: 2022-10-03. Review status: criteria provided, single submitter. Criteria: Ambry Variant Classification Scheme 2023. Collection method: clinical testing. Allele origin: germline.